The following is an entry in ClinVar:

ClinVar aggregate classification (germline): Uncertain significance (1 of 4 stars; one submission).

Conditions:
Arrhythmogenic right ventricular dysplasia 8 (ARVD8). Also called: Arrhythmogenic Right Ventricular Dysplasia/Cardiomyopathy 8; ARRHYTHMOGENIC RIGHT VENTRICULAR DYSPLASIA, FAMILIAL, 8; ARRHYTHMOGENIC RIGHT VENTRICULAR CARDIOMYOPATHY 8. Identifiers: MedGen C1843896, MONDO:0011831, OMIM 607450.
Arrhythmogenic cardiomyopathy with wooly hair and keratoderma. Also called: Carvajal syndrome; PALMOPLANTAR KERATODERMA WITH LEFT VENTRICULAR CARDIOMYOPATHY AND WOOLLY HAIR; Dilated cardiomyopathy with woolly hair and keratoderma; Arrhythmogenic cardiomyopathy with woolly hair and keratoderma. Identifiers: Orphanet 65282, MedGen C1854063, MONDO:0011581, OMIM 605676.

Submission:

Labcorp Genetics (formerly Invitae), Labcorp
Classification: Uncertain significance for Arrhythmogenic cardiomyopathy with wooly hair and keratoderma; Arrhythmogenic right ventricular dysplasia 8. Last evaluated: 2022-07-26. Review status: criteria provided, single submitter. Criteria: Invitae Variant Classification Sherloc (09022015). Collection method: clinical testing. Allele origin: germline.
Comment: A copy number gain of the genomic region encompassing the full coding sequence of the DSP gene has been identified. The boundaries of this event are unknown as they extend beyond the assayed region for this gene and therefore may encompass additional genes. As the precise location of this event is unknown, it may be in tandem or it may be located elsewhere in the genome. This variant has not been reported in the literature in individuals affected with DSP-related conditions. In summary, the available evidence is currently insufficient to determine the role of this variant in disease. Therefore, it has been classified as a Variant of Uncertain Significance.

NC_000006.11:g.(?_7542149)_(7880576_?)dup

Genes: SNRNP48 (small nuclear ribonucleoprotein U11/U12 subunit 48; plus strand), DSP (desmoplakin; plus strand), BMP6 (bone morphogenetic protein 6; plus strand). Cytogenetic location: 6p24.3.
Variant type: Duplication.
Identifiers: ClinVar variation 2425105 (VCV002425105.6).